The following is an entry in ClinVar:

NM_001267550.2(TTN):c.79052T>C (p.Leu26351Pro)

Genes: TTN (titin; minus strand), TTN-AS1 (TTN antisense RNA 1; plus strand). Cytogenetic location: 2q31.2.
Variant type: single nucleotide variant.
Coding change: c.79052T>C on transcript NM_001267550.2 (MANE Select); coding-DNA position 79052, T replaced by C.
Protein change: p.Leu26351Pro; replaces leucine 26351 with proline.
Molecular consequence: missense variant.
Genome position (GRCh38, 1-based): chr2:178,567,080, A>G on the plus strand (T>C on the coding strand, the complement: TTN is on the minus strand). VCF-style: chr2-178567080-A-G. GRCh37 (hg19) VCF-style: chr2-179431807-A-G.
Other names: c.74129T>C, p.Leu24710Pro (NM_001256850.1); c.51857T>C, p.Leu17286Pro (NM_003319.4); c.71348T>C, p.Leu23783Pro (NM_133378.4); c.52232T>C, p.Leu17411Pro (NM_133432.3); c.52433T>C, p.Leu17478Pro (NM_133437.4); short protein forms L17411P, L24710P, L26351P, L23783P, L17286P, L17478P.
Identifiers: ClinVar variation 1745878 (VCV001745878.6), dbSNP rs756625791, ClinGen allele CA1989534.
Genomic context (GRCh38, chr2:178,567,080, plus strand): 5'-TCTCCAACACCATATTTGTTGACAGCCATTATACGGAAAACATATTCATTACCTTCTAAG[A>G]GTTTGGTAACTTTCAGAGAATTGGTCACAACTTCTGAAGCAACAACAGTCCAGGCAAGTC-3'
Protein context (NP_001254479.2, residues 26341-26361): VVTNSLKVTK[Leu26351Pro]LEGNEYVFRI

ClinVar aggregate classification (germline): Uncertain significance. Review status: criteria provided, multiple submitters, no conflicts (2 of 4 stars). 3 submissions from 3 submitters: Uncertain significance (3). Last evaluated 2024-07-30.

Conditions:
Cardiovascular phenotype. Identifiers: MedGen CN230736.

Allele frequency attached by ClinVar (database versions not stated): gnomAD 0.00001; ExAC 0.00002; TOPMed 0.00002; gnomAD exomes 0.00006.
gnomAD v4.1: 93 of 1,613,440 alleles (0.0058%); highest among the groups gnomAD compares: Non-Finnish European, 0.0076%; no homozygotes.

Submissions (3):

GeneDx
Classification: Uncertain significance. Last evaluated: 2024-07-30. Review status: criteria provided, single submitter. Criteria: GeneDx Variant Classification Process June 2021. Collection method: clinical testing. Allele origin: germline. Affected: yes.
Comment: Not observed at significant frequency in large population cohorts (gnomAD); Missense variant in a gene in which most reported pathogenic variants are truncating/loss of function; Has not been previously published as pathogenic or benign to our knowledge

Ambry Genetics
Classification: Uncertain significance for Cardiovascular phenotype. Last evaluated: 2020-03-06. Review status: criteria provided, single submitter. Criteria: Ambry Variant Classification Scheme 2023. Collection method: clinical testing. Allele origin: germline.
Comment: The p.L17286P variant (also known as c.51857T>C), located in coding exon 153 of the TTN gene, results from a T to C substitution at nucleotide position 51857. The leucine at codon 17286 is replaced by proline, an amino acid with similar properties. This amino acid position is highly conserved in available vertebrate species. In addition, this alteration is predicted to be deleterious by in silico analysis. Since supporting evidence is limited at this time, the clinical significance of this alteration remains unclear.

Revvity Omics, Revvity
Classification: Uncertain significance. Last evaluated: 2019-06-03. Review status: criteria provided, single submitter. Criteria: ACMG Guidelines, 2015. Collection method: clinical testing. Allele origin: germline.